The following is an entry in ClinVar:

ClinVar aggregate classification (germline): Uncertain significance (1 of 4 stars; one submission).

Conditions:
Heterotopia, periventricular, X-linked dominant (PVNH1). Also called: PERIVENTRICULAR NODULAR HETEROTOPIA 1; X-linked periventricular heterotopia; PERIVENTRICULAR NODULAR HETEROTOPIA 4; HETEROTOPIA, PERIVENTRICULAR, 1. Identifiers: Orphanet 2149, Orphanet 82004, MedGen C1848213, MONDO:0010233, OMIM 300049.
Melnick-Needles syndrome (MNS). Also called: Melnick-Needles Syndrome (FLNA-MNS); MELNICK-NEEDLES OSTEODYSPLASTY; OSTEODYSPLASTY OF MELNICK AND NEEDLES. Identifiers: Orphanet 2484, MedGen C0025237, MONDO:0010650, OMIM 309350.
Frontometaphyseal dysplasia (FMD1). Identifiers: Orphanet 1826, MedGen C0265293, MONDO:0015942.
Oto-palato-digital syndrome, type II (OPD2). Also called: Otopalatodigital Syndrome Type 2 (FLNA-OPD2); FACIOPALATOOSSEOUS SYNDROME; OPD II SYNDROME; Otopalatodigital Syndrome, Type II. Identifiers: Orphanet 669, Orphanet 90652, MedGen C1844696, MONDO:0010571, OMIM 304120.

gnomAD v4.1: 2 of 1,211,365 alleles (0.00017%); highest among the groups gnomAD compares: East Asian, 0.0059%; no homozygotes.

Submission:

Labcorp Genetics (formerly Invitae), Labcorp
Classification: Uncertain significance for Oto-palato-digital syndrome, type II; Heterotopia, periventricular, X-linked dominant; Frontometaphyseal dysplasia; Melnick-Needles syndrome. Last evaluated: 2023-12-18. Review status: criteria provided, single submitter. Criteria: Invitae Variant Classification Sherloc (09022015). Collection method: clinical testing. Allele origin: germline.
Comment: This sequence change replaces valine, which is neutral and non-polar, with leucine, which is neutral and non-polar, at codon 1612 of the FLNA protein (p.Val1612Leu). This variant is present in population databases (no rsID available, gnomAD 0.02%). This variant has not been reported in the literature in individuals affected with FLNA-related conditions. Advanced modeling of protein sequence and biophysical properties (such as structural, functional, and spatial information, amino acid conservation, physicochemical variation, residue mobility, and thermodynamic stability) performed at Invitae indicates that this missense variant is not expected to disrupt FLNA protein function with a negative predictive value of 95%. In summary, the available evidence is currently insufficient to determine the role of this variant in disease. Therefore, it has been classified as a Variant of Uncertain Significance.

NM_001110556.2(FLNA):c.4834G>T (p.Val1612Leu)

Gene: FLNA (filamin A; minus strand). Cytogenetic location: Xq28.
Variant type: single nucleotide variant.
Coding change: c.4834G>T on transcript NM_001110556.2 (MANE Select); coding-DNA position 4834, G replaced by T.
Protein change: p.Val1612Leu; replaces valine 1612 with leucine.
Molecular consequence: missense variant.
Genome position (GRCh38, 1-based): chrX:154,357,545, C>A on the plus strand (G>T on the coding strand, the complement: FLNA is on the minus strand). VCF-style: chrX-154357545-C-A. GRCh37 (hg19) VCF-style: chrX-153585913-C-A.
Other names: c.4834G>T, p.Val1612Leu (NM_001456.4); short protein forms V1612L.
Identifiers: ClinVar variation 2952930 (VCV002952930.3), dbSNP rs782082407, ClinGen allele CA415214086.
Genomic context (GRCh38, chrX:154,357,545, plus strand): 5'-ACGGGGAGAAGGGGATCTCGTCACCACCGTACTTGATGAGGATGGTGTAGCGACCTGTCA[C>A]GTCTGGCACGTAGGCCACTGTATACGTGCCGTCATGGTTGTCTTGGATGTGTGTCTTCTT-3'
Protein context (NP_001104026.1, residues 1602-1622): GTYTVAYVPD[Val1612Leu]TGRYTILIKY